The following is an entry in ClinVar:

ClinVar aggregate classification (germline): Uncertain significance. Review status: criteria provided, multiple submitters, no conflicts (2 of 4 stars). 3 submissions from 3 submitters: Uncertain significance (3). Last evaluated 2023-11-20.

Allele frequency attached by ClinVar (database versions not stated): gnomAD exomes below 0.00001; gnomAD 0.00001; TOPMed 0.00001.
gnomAD v4.1: 5 of 1,612,620 alleles (0.00031%); highest among the groups gnomAD compares: Middle Eastern, 0.066%; no homozygotes.

Submissions (3):

Women's Health and Genetics/Laboratory Corporation of America, LabCorp
Classification: Uncertain significance. Last evaluated: 2023-11-20. Review status: criteria provided, single submitter. Criteria: LabCorp Variant Classification Summary - May 2015. Collection method: clinical testing. Allele origin: germline.
Comment: Variant summary: MYO7A c.338T>C (p.Ile113Thr) results in a non-conservative amino acid change in the encoded protein sequence. Four of five in-silico tools predict a damaging effect of the variant on protein function. The variant allele was found at a frequency of 4.1e-06 in 246216 control chromosomes. The available data on variant occurrences in the general population are insufficient to allow any conclusion about variant significance. c.338T>C has been reported in the literature in one individual with a reported diagnosis of Usher syndrome in whom two other putatively pathogenic/likely pathogenic MYO7A variants were also identified and the phase of this variant is not clearly specified (example, Schlottmann_2023). These report(s) do not provide unequivocal conclusions about association of the variant with Usher Syndrome. To our knowledge, no experimental evidence demonstrating an impact on protein function has been reported. The following publication have been ascertained in the context of this evaluation (PMID: 37217489). One submitter has cited clinical-significance assessments for this variant to ClinVar after 2014 and has classified the variant as uncertain significance. Based on the evidence outlined above, the variant was classified as uncertain significance.

Labcorp Genetics (formerly Invitae), Labcorp
Classification: Uncertain significance. Last evaluated: 2022-03-04. Review status: criteria provided, single submitter. Criteria: Invitae Variant Classification Sherloc (09022015). Collection method: clinical testing. Allele origin: germline.
Comment: In summary, the available evidence is currently insufficient to determine the role of this variant in disease. Therefore, it has been classified as a Variant of Uncertain Significance. Advanced modeling of protein sequence and biophysical properties (such as structural, functional, and spatial information, amino acid conservation, physicochemical variation, residue mobility, and thermodynamic stability) performed at Invitae indicates that this missense variant is expected to disrupt MYO7A protein function. This variant has not been reported in the literature in individuals affected with MYO7A-related conditions. This variant is present in population databases (no rsID available, gnomAD no frequency). This sequence change replaces isoleucine, which is neutral and non-polar, with threonine, which is neutral and polar, at codon 113 of the MYO7A protein (p.Ile113Thr).

Blueprint Genetics
Classification: Uncertain significance. Last evaluated: 2018-07-27. Review status: criteria provided, single submitter. Criteria: ACMG Guidelines, 2015. Collection method: clinical testing. Allele origin: germline.

Literature cited by the submitters: PubMed 37217489 (cited by Women's Health and Genetics/Laboratory Corporation of America, LabCorp).

NM_000260.4(MYO7A):c.338T>C (p.Ile113Thr)

Gene: MYO7A (myosin VIIA; plus strand). Cytogenetic location: 11q13.5.
Variant type: single nucleotide variant.
Coding change: c.338T>C on transcript NM_000260.4 (MANE Select); coding-DNA position 338, T replaced by C.
Protein change: p.Ile113Thr; replaces isoleucine 113 with threonine.
Molecular consequence: missense variant.
Genome position (GRCh38, 1-based): chr11:77,155,959, T>C. VCF-style: chr11-77155959-T-C. GRCh37 (hg19) VCF-style: chr11-76867005-T-C.
Other names: c.338T>C, p.Ile113Thr (NM_001127180.2); c.305T>C, p.Ile102Thr (NM_001369365.1); short protein forms I113T, I102T.
Identifiers: ClinVar variation 1480882 (VCV001480882.8), dbSNP rs1168387013, ClinGen allele CA381931225.